The following is an entry in ClinVar:

NM_005219.5(DIAPH1):c.256G>C (p.Asp86His)

Gene: DIAPH1 (diaphanous related formin 1; minus strand). Cytogenetic location: 5q31.3.
Variant type: single nucleotide variant.
Coding change: c.256G>C on transcript NM_005219.5 (MANE Select); coding-DNA position 256, G replaced by C.
Protein change: p.Asp86His; replaces aspartic acid 86 with histidine.
Molecular consequence: missense variant.
Genome position (GRCh38, 1-based): chr5:141,587,086, C>G on the plus strand (G>C on the coding strand, the complement: DIAPH1 is on the minus strand). VCF-style: chr5-141587086-C-G. GRCh37 (hg19) VCF-style: chr5-140966653-C-G.
Other names: c.229G>C, p.Asp77His (NM_001079812.3); c.256G>C, p.Asp86His (NM_001314007.2); short protein forms D86H, D77H.
Identifiers: ClinVar variation 2072883 (VCV002072883.4), dbSNP rs2513780944, ClinGen allele CA361546370.

ClinVar aggregate classification (germline): Uncertain significance (1 of 4 stars; one submission).

Conditions:
Autosomal dominant nonsyndromic hearing loss 1. Also called: DEAFNESS, AUTOSOMAL DOMINANT 1, WITH OR WITHOUT THROMBOCYTOPENIA; KONIGSMARK SYNDROME. Identifiers: Orphanet 90635, MedGen C1852282, MONDO:0007424, OMIM 124900.
Progressive microcephaly-seizures-cortical blindness-developmental delay syndrome. Also called: Seizures, cortical blindness, and microcephaly syndrome. Identifiers: Orphanet 477814, MedGen C5567650, MONDO:0014714, OMIM 616632.

Submission:

Labcorp Genetics (formerly Invitae), Labcorp
Classification: Uncertain significance for Progressive microcephaly-seizures-cortical blindness-developmental delay syndrome; Autosomal dominant nonsyndromic hearing loss 1. Last evaluated: 2022-07-12. Review status: criteria provided, single submitter. Criteria: Invitae Variant Classification Sherloc (09022015). Collection method: clinical testing. Allele origin: germline.
Comment: In summary, the available evidence is currently insufficient to determine the role of this variant in disease. Therefore, it has been classified as a Variant of Uncertain Significance. This sequence change replaces aspartic acid, which is acidic and polar, with histidine, which is basic and polar, at codon 86 of the DIAPH1 protein (p.Asp86His). This variant is not present in population databases (gnomAD no frequency). This variant has not been reported in the literature in individuals affected with DIAPH1-related conditions. Algorithms developed to predict the effect of missense changes on protein structure and function are either unavailable or do not agree on the potential impact of this missense change (SIFT: "Deleterious"; PolyPhen-2: "Not Available"; Align-GVGD: "Class C0").